The following is an entry in ClinVar:

ClinVar aggregate classification (germline): Uncertain significance (1 of 4 stars; one submission).

Submission:

CeGaT Center for Human Genetics Tuebingen
Classification: Uncertain significance. Last evaluated: 2024-05-01. Review status: criteria provided, single submitter. Criteria: CeGaT Center For Human Genetics Tuebingen Variant Classification Criteria Version 2. Collection method: clinical testing. Allele origin: germline. Affected: yes. Observed: 1 variant allele.
Comment: DDX23: PM2, PP2

NM_004818.3(DDX23):c.1876G>A (p.Val626Met)

Gene: DDX23 (DEAD-box helicase 23; minus strand). Cytogenetic location: 12q13.12.
Variant type: single nucleotide variant.
Coding change: c.1876G>A on transcript NM_004818.3 (MANE Select); coding-DNA position 1876, G replaced by A.
Protein change: p.Val626Met; replaces valine 626 with methionine.
Molecular consequence: missense variant.
Genome position (GRCh38, 1-based): chr12:48,832,501, C>T on the plus strand (G>A on the coding strand, the complement: DDX23 is on the minus strand). VCF-style: chr12-48832501-C-T. GRCh37 (hg19) VCF-style: chr12-49226284-C-T.
Other names: short protein forms V626M.
Identifiers: ClinVar variation 3239471 (VCV003239471.19), dbSNP rs2498749252.